The following is an entry in ClinVar:

ClinVar aggregate classification (germline): Pathogenic/Likely pathogenic. Review status: criteria provided, multiple submitters, no conflicts (2 of 4 stars). 2 submissions from 2 submitters: Pathogenic (1); Likely pathogenic (1). Last evaluated 2025-06-27.

Conditions:
P3H2-related disorders.

Submissions (2):

Labcorp Genetics (formerly Invitae), Labcorp
Classification: Pathogenic. Last evaluated: 2025-06-27. Review status: criteria provided, single submitter. Criteria: Invitae Variant Classification Sherloc (09022015). Collection method: clinical testing. Allele origin: germline.
Comment: This sequence change creates a premature translational stop signal (p.Leu326Trpfs*18) in the P3H2 gene. It is expected to result in an absent or disrupted protein product. Loss-of-function variants in P3H2 are known to be pathogenic (PMID: 24172257, 25469533). This variant is present in population databases (rs746433619, gnomAD 0.004%). This variant has not been reported in the literature in individuals affected with P3H2-related conditions. ClinVar contains an entry for this variant (Variation ID: 1070875). For these reasons, this variant has been classified as Pathogenic.

Blueprint Genetics
Classification: Likely pathogenic for P3H2-related disorders. Last evaluated: 2024-09-21. Review status: criteria provided, single submitter. Criteria: ACMG Guidelines, 2015. Collection method: clinical testing. Allele origin: germline. Affected: yes. Observed: 5 variant alleles.

Literature cited by the submitters: PubMed 24172257 (cited by Labcorp Genetics (formerly Invitae), Labcorp); PubMed 25469533 (cited by Labcorp Genetics (formerly Invitae), Labcorp).

NM_018192.4(P3H2):c.976del (p.Leu326fs)

Gene: P3H2 (prolyl 3-hydroxylase 2; minus strand). Cytogenetic location: 3q28.
Variant type: Deletion.
Coding change: c.976del on transcript NM_018192.4 (MANE Select); coding-DNA position 976, one base deleted (C; older notation c.976delC).
Protein change: p.Leu326fs; shifts the reading frame from leucine 326.
Molecular consequence: frameshift variant.
Genome position (GRCh38, 1-based): chr3:189,987,649, G deleted on the plus strand (C on the coding strand, the reverse complement: P3H2 is on the minus strand); the first of 3 consecutive G bases (chr3:189,987,649-189,987,651); deleting any one gives the same sequence. VCF-style (leftmost placement, unchanged base first): chr3-189987648-AG-A. GRCh37 (hg19) VCF-style: chr3-189705437-AG-A.
Other names: c.433del, p.Leu145fs (NM_001134418.2); short protein forms L145fs, L326fs.
Identifiers: ClinVar variation 1070875 (VCV001070875.6), dbSNP rs746433619, ClinGen allele CA2753142.